The following is an entry in ClinVar:

ClinVar aggregate classification (germline): Uncertain significance. Review status: criteria provided, multiple submitters, no conflicts (2 of 4 stars). 5 submissions from 4 submitters: Uncertain significance (4). 1 of the submissions does not count toward it. Last evaluated 2026-03-31.

Conditions:
Inborn genetic diseases. Identifiers: MedGen C0950123, MeSH D030342.
Familial hypokalemia-hypomagnesemia (GTLMNS). Also called: gitelman syndrome; HYPOMAGNESEMIA-HYPOKALEMIA, PRIMARY RENOTUBULAR, WITH HYPOCALCIURIA; POTASSIUM AND MAGNESIUM DEPLETION. Identifiers: Orphanet 358, MedGen C0268450, MONDO:0009904, OMIM 263800.

Allele frequency attached by ClinVar (database versions not stated): 1000 Genomes Project 0.00020; 1000 Genomes Project 30x 0.00031.
gnomAD v4.1: 142 of 1,613,938 alleles (0.0088%); highest among the groups gnomAD compares: South Asian, 0.065%; no homozygotes.

Submissions (5):

Ambry Genetics
Classification: Uncertain significance for Inborn genetic diseases. Last evaluated: 2026-03-31. Review status: criteria provided, single submitter. Criteria: Ambry Variant Classification Scheme 2023. Collection method: clinical testing. Allele origin: germline.
Comment: The c.322C>T (p.R108W) alteration is located in exon 2 (coding exon 2) of the SLC12A3 gene. This alteration results from a C to T substitution at nucleotide position 322, causing the arginine (R) at amino acid position 108 to be replaced by a tryptophan (W). Based on data from gnomAD, the T allele has an overall frequency of 0.01% (27/281648) total alleles studied. The highest observed frequency was 0.056% (17/30614) of South Asian alleles. Based on insufficient or conflicting evidence, the clinical significance of this alteration remains unclear.

Fulgent Genetics
Classification: Uncertain significance for Familial hypokalemia-hypomagnesemia. Last evaluated: 2024-04-09. Review status: criteria provided, single submitter. Criteria: ACMG Guidelines, 2015. Collection method: clinical testing. Allele origin: germline.

Dubai Health Genomic Medicine Center, Dubai Health
Classification: Uncertain significance. Last evaluated: 2022-12-17. Review status: criteria provided, single submitter. Criteria: ACMG Guidelines, 2015. Collection method: clinical testing. Allele origin: germline. Affected: yes.

GeneDx
Classification: Uncertain significance. Last evaluated: 2022-10-20. Review status: criteria provided, single submitter. Criteria: GeneDx Variant Classification Process June 2021. Collection method: clinical testing. Allele origin: germline. Affected: yes.
Comment: Reported with additional variants (phase unknown) in a patient with Gitelman syndrome in published literature (Vargas-Poussou et al., 2011); In silico analysis supports that this missense variant does not alter protein structure/function; This variant is associated with the following publications: (PMID: 34426522, 21415153)

Dubai Health Genomic Medicine Center, Dubai Health
Classification: Uncertain significance for Familial hypokalemia-hypomagnesemia. Last evaluated: 2020-04-28. Review status: flagged submission. Criteria: ACMG Guidelines, 2015. Collection method: clinical testing. Allele origin: germline. Affected: yes. Not counted in ClinVar's aggregate classification.
Comment: The p.Arg108Trp missense variant in SLC12A3 has been previously reported in the compound heterozygous state with another rare missense variant (p.Arg507Cys) in one individual with Gitelman syndrome (PMID: 21415153). However this individual carried another reportedly pathogenic variant (p.Arg861Cys ClinVar accession: VCV000437926.4) in cis with p.Arg108Trp suggesting that the latter is unlikely to be clinically significant. This variant was also identified in 17/30614 (0.055% 0 homozygotes) South Asian alleles in the Genome Aggregation Database (gnomAD). Computational prediction tools and conservation analysis do not suggest an impact to protein function this information is not predictive enough to rule out pathogenicity. In summary more information is needed to determine the clinical significance of the p.Arg108Trp variant however based on the evidence above it is more likely to be benign.
ClinVar note: Reason: This record appears to be redundant with a more recent record from the same submitter.
ClinVar note: Notes: SCV001984721 appears to be redundant with SCV002774997.

Literature cited by the submitters: PubMed 21415153 (cited by Ambry Genetics).

NM_001126108.2(SLC12A3):c.322C>T (p.Arg108Trp)

Gene: SLC12A3 (solute carrier family 12 member 3; plus strand). Cytogenetic location: 16q13.
Variant type: single nucleotide variant.
Coding change: c.322C>T on transcript NM_001126108.2 (MANE Select); coding-DNA position 322, C replaced by T.
Protein change: p.Arg108Trp; replaces arginine 108 with tryptophan.
Molecular consequence: missense variant.
Genome position (GRCh38, 1-based): chr16:56,867,109, C>T. VCF-style: chr16-56867109-C-T. GRCh37 (hg19) VCF-style: chr16-56901021-C-T.
Other names: c.322C>T, p.Arg108Trp (NM_000339.3); c.319C>T, p.Arg107Trp (NM_001126107.2); short protein forms R107W, R108W.
Identifiers: ClinVar variation 1301842 (VCV001301842.7), dbSNP rs541789117, ClinGen allele CA8068984.